The following is an entry in ClinVar:

NM_032608.7(MYO18B):c.7609G>A (p.Gly2537Ser)

Gene: MYO18B (myosin XVIIIB; plus strand). Cytogenetic location: 22q12.1.
Variant type: single nucleotide variant.
Coding change: c.7609G>A on transcript NM_032608.7 (MANE Select); coding-DNA position 7609, G replaced by A.
Protein change: p.Gly2537Ser; replaces glycine 2537 with serine.
Molecular consequence: missense variant.
Genome position (GRCh38, 1-based): chr22:26,027,583, G>A. VCF-style: chr22-26027583-G-A. GRCh37 (hg19) VCF-style: chr22-26423549-G-A.
Other names: c.7612G>A, p.Gly2538Ser (NM_001318245.2); short protein forms G2537S, G2538S.
Identifiers: ClinVar variation 3616199 (VCV003616199.1).
Genomic context (GRCh38, chr22:26,027,583, plus strand): 5'-TCCTTCAAAAGTGCTGACAGCATCAAAAGTCGACCAGGAATCCCACGACTTGCGGGTGAC[G>A]GTGGCGAGCGAACGTCCCCCGAGCGGAGAGAGCCAGGGACGGGGAGGAAAGACGACGATG-3'
Protein context (NP_115997.5, residues 2527-2547): RPGIPRLAGD[Gly2537Ser]GERTSPERRE

ClinVar aggregate classification (germline): Uncertain significance (1 of 4 stars; one submission).

gnomAD v4.1: 14 of 1,613,836 alleles (0.00087%); highest among the groups gnomAD compares: Admixed American, 0.0083%; no homozygotes.

Submission:

Labcorp Genetics (formerly Invitae), Labcorp
Classification: Uncertain significance. Last evaluated: 2024-10-24. Review status: criteria provided, single submitter. Criteria: Invitae Variant Classification Sherloc (09022015). Collection method: clinical testing. Allele origin: germline.
Comment: This sequence change replaces glycine, which is neutral and non-polar, with serine, which is neutral and polar, at codon 2537 of the MYO18B protein (p.Gly2537Ser). This variant is present in population databases (rs200890530, gnomAD 0.009%). This variant has not been reported in the literature in individuals affected with MYO18B-related conditions. An algorithm developed to predict the effect of missense changes on protein structure and function outputs the following: PolyPhen-2: "Benign". The serine amino acid residue is found in multiple mammalian species, which suggests that this missense change does not adversely affect protein function. In summary, the available evidence is currently insufficient to determine the role of this variant in disease. Therefore, it has been classified as a Variant of Uncertain Significance.